The following is an entry in ClinVar:

NM_001130438.3(SPTAN1):c.5602G>T (p.Gly1868Cys)

Gene: SPTAN1 (spectrin alpha, non-erythrocytic 1; plus strand). Cytogenetic location: 9q34.11.
Variant type: single nucleotide variant.
Coding change: c.5602G>T on transcript NM_001130438.3 (MANE Select); coding-DNA position 5602, G replaced by T.
Protein change: p.Gly1868Cys; replaces glycine 1868 with cysteine.
Molecular consequence: missense variant.
Genome position (GRCh38, 1-based): chr9:128,618,872, G>T. VCF-style: chr9-128618872-G-T. GRCh37 (hg19) VCF-style: chr9-131381151-G-T.
Other names: c.5527G>T, p.Gly1843Cys (NM_001195532.2); c.5602G>T, p.Gly1868Cys (NM_001363759.2, NM_001375310.1, NM_001375311.2 and 1 more transcripts); c.5542G>T, p.Gly1848Cys (NM_001363765.2, NM_001375314.2); c.5638G>T, p.Gly1880Cys (NM_001375312.2, NM_001375318.1); c.5587G>T, p.Gly1863Cys (NM_003127.4); short protein forms G1848C, G1863C, G1868C, G1843C, G1880C.
Identifiers: ClinVar variation 1470877 (VCV001470877.7), dbSNP rs2131816719, ClinGen allele CA375077635.

ClinVar aggregate classification (germline): Uncertain significance (1 of 4 stars; one submission).

Conditions:
Early-infantile DEE. Also called: Ohtahara syndrome; Early infantile epileptic encephalopathy with suppression bursts; Early infantile epileptic encephalopathy. Identifiers: Orphanet 1934, MedGen C0393706, MONDO:0800491.

Submission:

Labcorp Genetics (formerly Invitae), Labcorp
Classification: Uncertain significance for Early-infantile DEE. Last evaluated: 2024-04-12. Review status: criteria provided, single submitter. Criteria: Invitae Variant Classification Sherloc (09022015). Collection method: clinical testing. Allele origin: germline.
Comment: This sequence change replaces glycine, which is neutral and non-polar, with cysteine, which is neutral and slightly polar, at codon 1868 of the SPTAN1 protein (p.Gly1868Cys). This variant is not present in population databases (gnomAD no frequency). This variant has not been reported in the literature in individuals affected with SPTAN1-related conditions. ClinVar contains an entry for this variant (Variation ID: 1470877). An algorithm developed to predict the effect of missense changes on protein structure and function (PolyPhen-2) suggests that this variant is likely to be disruptive. In summary, the available evidence is currently insufficient to determine the role of this variant in disease. Therefore, it has been classified as a Variant of Uncertain Significance.